The following is an entry in ClinVar:

ClinVar aggregate classification (germline): Likely pathogenic (1 of 4 stars; one submission).

Conditions:
Recessive dystrophic epidermolysis bullosa (RDEB). Also called: epidermolysis bullosa dystrophica, autosomal recessive; Recessive DEB (RDEB); DYSTROPHIC EPIDERMOLYSIS BULLOSA, AUTOSOMAL RECESSIVE; EPIDERMOLYSIS BULLOSA DYSTROPHICA, HALLOPEAU-SIEMENS TYPE; severe generalized recessive dystrophic epidermolysis bullosa; Hallopeau-Siemens Disease. Identifiers: Orphanet 79408, Orphanet 79409, MedGen C0079474, MONDO:0009179, OMIM 226600.

Submission:

Neuberg Centre For Genomic Medicine, NCGM
Classification: Likely pathogenic for Recessive dystrophic epidermolysis bullosa. Review status: criteria provided, single submitter. Criteria: ACMG Guidelines, 2015. Collection method: clinical testing. Allele origin: germline. Inheritance: Autosomal recessive inheritance. Affected: yes.
Comment: The missense c.7069G>C (p.Gly2357Arg) variant in COL7A1 gene has not been reported previously as a pathogenic variant nor as a benign variant, to our knowledge. The p.Gly2357Arg variant is novel (not in any individuals) in gnomAD Exomes and 1000 Genomes. The amino acid Gly at position 2357 is changed to a Arg changing protein sequence and it might alter its composition and physico-chemical properties. The variant is predicted to be damaging by both SIFT and PolyPhen2. The residue is conserved across species. The amino acid change p.Gly2357Arg in COL7A1 is predicted as conserved by GERP++ and PhyloP across 100 vertebrates. The variant affects a glycine residue in the triple hellical domain. Glycine residues in the triple hellical collagen domain are important and their substitutions are usually disease causing.For these reasons, this variant has been classified as Likely Pathogenic.

NM_000094.4(COL7A1):c.7069G>C (p.Gly2357Arg)

Gene: COL7A1 (collagen type VII alpha 1 chain; minus strand). Cytogenetic location: 3p21.31.
Variant type: single nucleotide variant.
Coding change: c.7069G>C on transcript NM_000094.4 (MANE Select); coding-DNA position 7069, G replaced by C.
Protein change: p.Gly2357Arg; replaces glycine 2357 with arginine.
Molecular consequence: missense variant.
Genome position (GRCh38, 1-based): chr3:48,571,278, C>G on the plus strand (G>C on the coding strand, the complement: COL7A1 is on the minus strand). VCF-style: chr3-48571278-C-G. GRCh37 (hg19) VCF-style: chr3-48608711-C-G.
Other names: short protein forms G2357R.
Identifiers: ClinVar variation 2585473 (VCV002585473.1), dbSNP rs2530879298, ClinGen allele CA352651615.